The following is an entry in ClinVar:

NM_000132.4(F8):c.5924T>C (p.Ile1975Thr)

Gene: F8 (coagulation factor VIII; minus strand). Cytogenetic location: Xq28.
Variant type: single nucleotide variant.
Coding change: c.5924T>C on transcript NM_000132.4 (MANE Select); coding-DNA position 5924, T replaced by C.
Protein change: p.Ile1975Thr; replaces isoleucine 1975 with threonine.
Molecular consequence: missense variant.
Genome position (GRCh38, 1-based): chrX:154,903,980, A>G on the plus strand (T>C on the coding strand, the complement: F8 is on the minus strand). VCF-style: chrX-154903980-A-G. GRCh37 (hg19) VCF-style: chrX-154132255-A-G.
Other names: c.5924T>C (NM_000132.3); short protein forms I1975T.
Identifiers: ClinVar variation 3336485 (VCV003336485.3).

ClinVar aggregate classification (germline): Conflicting classifications of pathogenicity. Review status: criteria provided, conflicting classifications (1 of 4 stars). 3 submissions from 3 submitters: Likely pathogenic (1); Uncertain significance (2). Last evaluated 2026-07-09.

Conditions:
F8-related disorder. Also called: F8-related condition.

gnomAD v4.1: 1 of 1,210,802 alleles (0.000083%); highest among the groups gnomAD compares: Non-Finnish European, 0.00011%; no homozygotes.

Submissions (3):

PreventionGenetics, part of Exact Sciences
Classification: Likely pathogenic for F8-related condition. Last evaluated: 2026-07-09. Review status: criteria provided, single submitter. Criteria: ACMG Guidelines, 2015. Collection method: clinical testing. Allele origin: germline.
Comment: The F8 c.5924T>C variant is predicted to result in the amino acid substitution p.Ile1975Thr. This variant, also described as p.Ile1956Thr in legacy literature, has been reported individuals with mild hemophilia A (Supplemental Table 1, Markoff et al. 2009. PubMed ID: 19473423; Table S7, Johnsen et al. 2017. PubMed ID: 29296726; Marín et al. 2019. PubMed ID: 31267011). This variant has not been reported in a large population database (gnomAD), indicating this variant is rare. Alternate variants at the same amino acid position (p.Ile1975Asn, p.Ile1975Phe, p.Ile1975Ser) have also been reported in individuals with hemophilia and have been reported to segregate with the disorder in one family (Fernandez-Lopez et al. 2005. PubMed ID: 15921397; Table S7, Johnsen et al. 2017. PubMed ID: 29296726; Andersson et al. 2020. PubMed ID: 32935414). The c.5924T>C variant is interpreted as likely pathogenic.

GeneDx
Classification: Uncertain significance. Last evaluated: 2025-02-18. Review status: criteria provided, single submitter. Criteria: GeneDx Variant Classification Process June 2021. Collection method: clinical testing. Allele origin: germline. Affected: yes.
Comment: Not observed at significant frequency in large population cohorts (gnomAD); In silico analysis supports that this missense variant has a deleterious effect on protein structure/function; Also known as p.(I1956T); This variant is associated with the following publications: (PMID: 11857744, 29296726, 18691168, 19473423)

Women's Health and Genetics/Laboratory Corporation of America, LabCorp
Classification: Uncertain significance. Last evaluated: 2024-05-20. Review status: criteria provided, single submitter. Criteria: LabCorp Variant Classification Summary - May 2015. Collection method: clinical testing. Allele origin: germline.
Comment: Variant summary: F8 c.5924T>C (p.Ile1975Thr) results in a non-conservative amino acid change located in the Multicopper oxidase, C-terminal domain (IPR011706) of the encoded protein sequence. Five of five in-silico tools predict a damaging effect of the variant on protein function. The variant was absent in 183283 control chromosomes (gnomAD). c.5924T>C has been reported in the literature in individuals affected with Factor VIII Deficiency (Hemophilia A; Cutler_2002, Green_2008, Johnsen_2017, EAHAD F8 Variant Database). These data indicate that the variant may be associated with disease. To our knowledge, no experimental evidence demonstrating an impact on protein function has been reported. The following publications have been ascertained in the context of this evaluation (PMID: 11857744, 18691168, 29296726). No submitters have cited clinical-significance assessments for this variant to ClinVar. Based on the evidence outlined above, the variant was classified as VUS-possibly pathogenic.

Literature cited by the submitters: PubMed 11857744 (cited by Women's Health and Genetics/Laboratory Corporation of America, LabCorp); PubMed 18691168 (cited by Women's Health and Genetics/Laboratory Corporation of America, LabCorp); PubMed 29296726 (cited by Women's Health and Genetics/Laboratory Corporation of America, LabCorp).